The following is an entry in ClinVar:

ClinVar aggregate classification (germline): Likely benign (1 of 4 stars; one submission).

Allele frequency attached by ClinVar (database versions not stated): gnomAD exomes 0.00001; gnomAD 0.00002; ExAC 0.00004; 1000 Genomes Project 30x 0.00016; 1000 Genomes Project 0.00020.
gnomAD v4.1: 20 of 1,614,084 alleles (0.0012%); highest among the groups gnomAD compares: Admixed American, 0.0033%; no homozygotes.

Submission:

CeGaT Center for Human Genetics Tuebingen
Classification: Likely benign. Last evaluated: 2023-03-01. Review status: criteria provided, single submitter. Criteria: CeGaT Center For Human Genetics Tuebingen Variant Classification Criteria Version 2. Collection method: clinical testing. Allele origin: germline. Affected: yes. Observed: 1 variant allele.
Comment: TRIO: BP4, BP7

NM_007118.4(TRIO):c.9105C>T (p.Pro3035=)

Gene: TRIO (trio Rho guanine nucleotide exchange factor; plus strand). Cytogenetic location: 5p15.2.
Variant type: single nucleotide variant.
Coding change: c.9105C>T on transcript NM_007118.4 (MANE Select); coding-DNA position 9105, C replaced by T.
Protein change: p.Pro3035=; no amino-acid change (proline 3035 retained).
Molecular consequence: synonymous variant. On other transcripts: non-coding transcript variant (1).
Genome position (GRCh38, 1-based): chr5:14,508,233, C>T. VCF-style: chr5-14508233-C-T. GRCh37 (hg19) VCF-style: chr5-14508342-C-T.
Identifiers: ClinVar variation 2498969 (VCV002498969.28), dbSNP rs369006273, ClinGen allele CA3208043.